The following is an entry in ClinVar:

NM_020693.4(DSCAML1):c.662C>T (p.Pro221Leu)

Gene: DSCAML1 (DS cell adhesion molecule like 1; minus strand). Cytogenetic location: 11q23.3.
Variant type: single nucleotide variant.
Coding change: c.662C>T on transcript NM_020693.4 (MANE Select); coding-DNA position 662, C replaced by T.
Protein change: p.Pro221Leu; replaces proline 221 with leucine.
Molecular consequence: missense variant.
Genome position (GRCh38, 1-based): chr11:117,525,080, G>A on the plus strand (C>T on the coding strand, the complement: DSCAML1 is on the minus strand). VCF-style: chr11-117525080-G-A. GRCh37 (hg19) VCF-style: chr11-117395795-G-A.
Other names: c.662C>T, p.Pro221Leu (NM_001367904.1); c.254C>T, p.Pro85Leu (NM_001367905.1); short protein forms P221L, P85L.
Identifiers: ClinVar variation 2710174 (VCV002710174.3), dbSNP rs756149264, ClinGen allele CA6297475.

ClinVar aggregate classification (germline): Uncertain significance (1 of 4 stars; one submission).

Allele frequency attached by ClinVar (database versions not stated): gnomAD exomes below 0.00001; ExAC 0.00004.
gnomAD v4.1: 3 of 1,544,584 alleles (0.00019%); highest among the groups gnomAD compares: South Asian, 0.0024%; no homozygotes.

Submission:

Labcorp Genetics (formerly Invitae), Labcorp
Classification: Uncertain significance. Last evaluated: 2024-01-29. Review status: criteria provided, single submitter. Criteria: Invitae Variant Classification Sherloc (09022015). Collection method: clinical testing. Allele origin: germline.
Comment: This sequence change replaces proline, which is neutral and non-polar, with leucine, which is neutral and non-polar, at codon 281 of the DSCAML1 protein (p.Pro281Leu). This variant is present in population databases (rs756149264, gnomAD 0.005%). This variant has not been reported in the literature in individuals affected with DSCAML1-related conditions. An algorithm developed to predict the effect of missense changes on protein structure and function (PolyPhen-2) suggests that this variant is likely to be disruptive. In summary, the available evidence is currently insufficient to determine the role of this variant in disease. Therefore, it has been classified as a Variant of Uncertain Significance.